The following is an entry in ClinVar:

ClinVar aggregate classification (germline): Uncertain significance (1 of 4 stars; one submission).

Conditions:
Hereditary cancer-predisposing syndrome. Also called: Hereditary Cancer Syndrome; Hereditary neoplastic syndrome; Neoplastic Syndromes, Hereditary; Tumor predisposition. Identifiers: Orphanet 140162, MedGen C0027672, MeSH D009386, MONDO:0015356.

Submission:

Ambry Genetics
Classification: Uncertain significance for Hereditary cancer-predisposing syndrome. Last evaluated: 2022-02-12. Review status: criteria provided, single submitter. Criteria: Ambry Variant Classification Scheme 2023. Collection method: clinical testing. Allele origin: germline.
Comment: The p.G311S variant (also known as c.931G>A), located in coding exon 6 of the NTHL1 gene, results from a G to A substitution at nucleotide position 931. The glycine at codon 311 is replaced by serine, an amino acid with similar properties. This amino acid position is conserved. In addition, this alteration is predicted to be tolerated by in silico analysis. Since supporting evidence is limited at this time, the clinical significance of this alteration remains unclear.

NM_002528.7(NTHL1):c.907G>A (p.Gly303Ser)

Gene: NTHL1 (nth like DNA glycosylase 1; minus strand). Cytogenetic location: 16p13.3.
Variant type: single nucleotide variant.
Coding change: c.907G>A on transcript NM_002528.7 (MANE Select); coding-DNA position 907, G replaced by A.
Protein change: p.Gly303Ser; replaces glycine 303 with serine.
Molecular consequence: missense variant.
Genome position (GRCh38, 1-based): chr16:2,039,932, C>T on the plus strand (G>A on the coding strand, the complement: NTHL1 is on the minus strand). VCF-style: chr16-2039932-C-T. GRCh37 (hg19) VCF-style: chr16-2089933-C-T.
Other names: c.736G>A, p.Gly246Ser (NM_001318193.2); c.577G>A, p.Gly193Ser (NM_001318194.2); short protein forms G193S, G246S, G303S.
Identifiers: ClinVar variation 1766567 (VCV001766567.2), dbSNP rs375024045, ClinGen allele CA394286950.